The following is an entry in ClinVar:

NM_003072.5(SMARCA4):c.917_941del (p.Gln306fs)

Gene: SMARCA4 (SWI/SNF related BAF chromatin remodeling complex subunit ATPase 4; plus strand). Cytogenetic location: 19p13.2.
Variant type: Deletion.
Coding change: c.917_941del on transcript NM_003072.5 (MANE Select); coding-DNA positions 917 to 941, 25 bases deleted (AGCCAACGGGCCGCCCTTCCCCCGC).
Protein change: p.Gln306fs; shifts the reading frame from glutamine 306.
Molecular consequence: frameshift variant. On other transcripts: non-coding transcript variant (1).
Genome position (GRCh38, 1-based): chr19:10,987,723-10,987,747, AGCCAACGGGCCGCCCTTCCCCCGC deleted; deleting any 25 consecutive bases within chr19:10,987,714-10,987,747 gives the same sequence; the c. name uses the placement nearest the transcript's 3' end. VCF-style (leftmost placement, unchanged base first): chr19-10987713-ATTCCCCCGCAGCCAACGGGCCGCCC-A. GRCh37 (hg19) VCF-style: chr19-11098389-ATTCCCCCGCAGCCAACGGGCCGCCC-A.
Other names: c.917_941del, p.Gln306fs (NM_001128844.3, NM_001128845.2, NM_001128846.2 and 5 more transcripts); short protein forms Q306fs.
Identifiers: ClinVar variation 1360962 (VCV001360962.6), dbSNP rs2145815261, ClinGen allele CA2573155566.
Genomic context (GRCh38, chr19:10,987,713, plus strand): 5'-TGCCTTCTCCCAGGACCCATGGCGAATGCTGCTGCCCCCACGAGCACCCCTCAGAAGCTG[ATTCCCCCGCAGCCAACGGGCCGCCC>A]TTCCCCCGCGCCCCCTGCCGTCCCACCCGCCGCCTCGCCCGTGATGCCACCGCAGACCCA-3'

ClinVar aggregate classification (germline): Pathogenic (1 of 4 stars; one submission).

Conditions:
Rhabdoid tumor predisposition syndrome 2 (RTPS2). Identifiers: Orphanet 231108, Orphanet 69077, MedGen C2750074, MONDO:0013224, OMIM 613325.

Submission:

Labcorp Genetics (formerly Invitae), Labcorp
Classification: Pathogenic for Rhabdoid tumor predisposition syndrome 2. Last evaluated: 2020-12-09. Review status: criteria provided, single submitter. Criteria: Invitae Variant Classification Sherloc (09022015). Collection method: clinical testing. Allele origin: germline.
Comment: This variant is not present in population databases (ExAC no frequency). This sequence change creates a premature translational stop signal (p.Gln306Argfs*12) in the SMARCA4 gene. It is expected to result in an absent or disrupted protein product. Loss-of-function variants in SMARCA4 are known to be pathogenic (PMID: 24658001, 24658002). This variant has not been reported in the literature in individuals with SMARCA4-related conditions. For these reasons, this variant has been classified as Pathogenic.

Literature cited by the submitters: PubMed 24658001; PubMed 24658002.